The following is an entry in ClinVar:

NM_000020.3(ACVRL1):c.236G>A (p.Gly79Glu)

Gene: ACVRL1 (activin A receptor like type 1; plus strand). Cytogenetic location: 12q13.13.
Variant type: single nucleotide variant.
Coding change: c.236G>A on transcript NM_000020.3 (MANE Select); coding-DNA position 236, G replaced by A.
Protein change: p.Gly79Glu; replaces glycine 79 with glutamic acid.
Molecular consequence: missense variant.
Genome position (GRCh38, 1-based): chr12:51,913,273, G>A. VCF-style: chr12-51913273-G-A. GRCh37 (hg19) VCF-style: chr12-52307057-G-A.
Other names: c.236G>A, p.Gly79Glu (NM_001077401.2); short protein forms G79E.
Identifiers: ClinVar variation 533350 (VCV000533350.19), dbSNP rs1283365095, ClinGen allele CA384897970.

ClinVar aggregate classification (germline): Conflicting classifications of pathogenicity. Review status: criteria provided, conflicting classifications (1 of 4 stars). 5 submissions from 5 submitters: Likely pathogenic (3); Uncertain significance (2). Last evaluated 2026-04-14.

Conditions:
ACVRL1-related disorder. Also called: ACVRL1-related condition; ACVRL1-related disorders.
Telangiectasia, hereditary hemorrhagic, type 2 (HHT2). Also called: Telangiectasia, hereditary hemorrhagic, type II; ACVRL1-Related Hereditary Hemorrhagic Telangiectasia. Identifiers: Orphanet 774, MedGen C1838163, MONDO:0010880, OMIM 600376. Disease mechanism: loss of function.
Cardiovascular phenotype. Identifiers: MedGen CN230736.

Allele frequency attached by ClinVar (database versions not stated): gnomAD exomes below 0.00001 and 0.00001; TOPMed below 0.00001.
gnomAD v4.1: 4 of 1,601,290 alleles (0.00025%); highest among the groups gnomAD compares: Admixed American, 0.0034%; no homozygotes.

Submissions (5):

PreventionGenetics, part of Exact Sciences
Classification: Likely pathogenic for ACVRL1-related condition. Last evaluated: 2026-04-14. Review status: criteria provided, single submitter. Criteria: ACMG Guidelines, 2015. Collection method: clinical testing. Allele origin: germline.
Comment: The ACVRL1 c.236G>A variant is predicted to result in the amino acid substitution p.Gly79Glu. This variant has been reported in an individual with hereditary hemorrhagic telangiectasia (HHT) (Sancho Saldaña et al. 2018. PubMed ID: 29898856) and in at least three additional unrelated individuals with a definite or suspected diagnosis of HHT (personal communication with the ClinGen HHT Variant Curation Expert Panel). This variant is reported in 0.0061% of alleles in individuals of Latino descent in gnomAD. Another missense variant impacting the same amino acid (p.Gly79Arg) has also been reported in unrelated individuals with HHT (Olivieri et al. 2006. PubMed ID: 16540754; Heimdal et al. 2015. PubMed ID: 25970827). Taken together, the c.236G>A (p.Gly79Glu) variant is interpreted as likely pathogenic.

Labcorp Genetics (formerly Invitae), Labcorp
Classification: Likely pathogenic for Telangiectasia, hereditary hemorrhagic, type 2. Last evaluated: 2025-12-24. Review status: criteria provided, single submitter. Criteria: Invitae Variant Classification Sherloc (09022015). Collection method: clinical testing. Allele origin: germline.
Comment: This sequence change replaces glycine, which is neutral and non-polar, with glutamic acid, which is acidic and polar, at codon 79 of the ACVRL1 protein (p.Gly79Glu). The frequency data for this variant in the population databases is considered unreliable, as metrics indicate poor data quality at this position in the gnomAD database. This missense change has been observed in individual(s) with clinical features of hereditary hemorrhagic telangiectasia (internal data). It has also been observed to segregate with disease in related individuals. ClinVar contains an entry for this variant (Variation ID: 533350). Invitae Evidence Modeling of protein sequence and biophysical properties (such as structural, functional, and spatial information, amino acid conservation, physicochemical variation, residue mobility, and thermodynamic stability) has been performed for this missense variant. However, the output from this modeling did not meet the statistical confidence thresholds required to predict the impact of this variant on ACVRL1 protein function. This variant disrupts the p.Gly79 amino acid residue in ACVRL1. Other variant(s) that disrupt this residue have been observed in individuals with ACVRL1-related conditions (PMID: 16540754, 25970827), which suggests that this may be a clinically significant amino acid residue. In summary, the currently available evidence indicates that the variant is pathogenic, but additional data are needed to prove that conclusively. Therefore, this variant has been classified as Likely Pathogenic.

GeneDx
Classification: Uncertain significance. Last evaluated: 2024-11-13. Review status: criteria provided, single submitter. Criteria: GeneDx Variant Classification Process June 2021. Collection method: clinical testing. Allele origin: germline. Affected: yes.
Comment: Has not been previously published as pathogenic or benign to our knowledge; Not observed at significant frequency in large population cohorts (gnomAD); In silico analysis supports that this missense variant has a deleterious effect on protein structure/function

Blueprint Genetics
Classification: Uncertain significance. Last evaluated: 2024-10-31. Review status: criteria provided, single submitter. Criteria: ACMG Guidelines, 2015. Collection method: clinical testing. Allele origin: germline.

Ambry Genetics
Classification: Likely pathogenic for Cardiovascular phenotype. Last evaluated: 2022-08-25. Review status: criteria provided, single submitter. Criteria: Ambry Variant Classification Scheme 2023. Collection method: clinical testing. Allele origin: germline.
Comment: The p.G79E variant (also known as c.236G>A), located in coding exon 2 of the ACVRL1 gene, results from a G to A substitution at nucleotide position 236. The glycine at codon 79 is replaced by glutamic acid, an amino acid with similar properties. This variant has been detected in multiple unrelated individuals with a definite or suspected diagnosis of hereditary hemorrhagic telangiectasia (Ambry internal data). This amino acid position is well conserved in available vertebrate species. In addition, the in silico prediction for this alteration is inconclusive. Based on the majority of available evidence to date, this variant is likely to be pathogenic.

Literature cited by the submitters: PubMed 16540754 (cited by Labcorp Genetics (formerly Invitae), Labcorp); PubMed 25970827 (cited by Labcorp Genetics (formerly Invitae), Labcorp).